The following is an entry in ClinVar:

NM_001242896.3(DEPDC5):c.914A>G (p.Asn305Ser)

Gene: DEPDC5 (DEP domain containing 5, GATOR1 subcomplex subunit; plus strand). Cytogenetic location: 22q12.2.
Variant type: single nucleotide variant.
Coding change: c.914A>G on transcript NM_001242896.3 (MANE Select); coding-DNA position 914, A replaced by G.
Protein change: p.Asn305Ser; replaces asparagine 305 with serine.
Molecular consequence: missense variant. On other transcripts: non-coding transcript variant (5).
Genome position (GRCh38, 1-based): chr22:31,798,624, A>G. VCF-style: chr22-31798624-A-G. GRCh37 (hg19) VCF-style: chr22-32194610-A-G.
Other names: c.914A>G, p.Asn305Ser (NM_001007188.4, NM_001136029.4, NM_001242897.2 and 7 more transcripts); c.830A>G, p.Asn277Ser (NM_001369901.1, NM_001369902.1); short protein forms N305S, N277S.
Identifiers: ClinVar variation 2857903 (VCV002857903.3), dbSNP rs2518768767, ClinGen allele CA411291696.
Genomic context (GRCh38, chr22:31,798,624, plus strand): 5'-TTGCATATTTTGCTTCAGAGGGCTTTCCTCAAGGAGATAATTCTACCTCAGCACAAGGAA[A>G]CTACCTGGAGGCCATCAATCTGTCATTCAATGGTGAGTAAGGATGCCGGCCATGAGCCAG-3'
Protein context (NP_001229825.1, residues 295-315): QGDNSTSAQG[Asn305Ser]YLEAINLSFN

ClinVar aggregate classification (germline): Uncertain significance (1 of 4 stars; one submission).

Conditions:
Familial focal epilepsy with variable foci (FPEVF). Identifiers: Orphanet 98820, MedGen C1858477, MONDO:0020310.

Allele frequency attached by ClinVar (database versions not stated): gnomAD exomes below 0.00001.
gnomAD v4.1: 1 of 1,611,996 alleles (0.000062%); highest among the groups gnomAD compares: Non-Finnish European, 0.000085%; no homozygotes.

Submission:

Labcorp Genetics (formerly Invitae), Labcorp
Classification: Uncertain significance for Familial focal epilepsy with variable foci. Last evaluated: 2023-10-03. Review status: criteria provided, single submitter. Criteria: Invitae Variant Classification Sherloc (09022015). Collection method: clinical testing. Allele origin: germline.
Comment: This sequence change replaces asparagine, which is neutral and polar, with serine, which is neutral and polar, at codon 305 of the DEPDC5 protein (p.Asn305Ser). This variant is not present in population databases (gnomAD no frequency). This variant has not been reported in the literature in individuals affected with DEPDC5-related conditions. Experimental studies and prediction algorithms are not available or were not evaluated, and the functional significance of this variant is currently unknown. In summary, the available evidence is currently insufficient to determine the role of this variant in disease. Therefore, it has been classified as a Variant of Uncertain Significance.